The following is an entry in ClinVar:

NM_030665.4(RAI1):c.3143C>A (p.Ala1048Asp)

Gene: RAI1 (retinoic acid induced 1; plus strand). Cytogenetic location: 17p11.2.
Variant type: single nucleotide variant.
Coding change: c.3143C>A on transcript NM_030665.4 (MANE Select); coding-DNA position 3143, C replaced by A.
Protein change: p.Ala1048Asp; replaces alanine 1048 with aspartic acid.
Molecular consequence: missense variant.
Genome position (GRCh38, 1-based): chr17:17,796,091, C>A. VCF-style: chr17-17796091-C-A. GRCh37 (hg19) VCF-style: chr17-17699405-C-A.
Other names: short protein forms A1048D.
Identifiers: ClinVar variation 212007 (VCV000212007.19), dbSNP rs758990336, ClinGen allele CA205999.

ClinVar aggregate classification (germline): Conflicting classifications of pathogenicity. Review status: criteria provided, conflicting classifications (1 of 4 stars). 5 submissions from 5 submitters: Uncertain significance (3); Likely benign (2). Last evaluated 2026-03-10.

Conditions:
RAI1-related disorder. Also called: RAI1-related condition.
Inborn genetic diseases. Identifiers: MedGen C0950123, MeSH D030342.

Allele frequency attached by ClinVar (database versions not stated): TOPMed 0.00002; gnomAD 0.00003 and 0.00004; ExAC 0.00023.
gnomAD v4.1: 102 of 1,581,264 alleles (0.0065%); highest among the groups gnomAD compares: Non-Finnish European, 0.0066%; no homozygotes.

Submissions (5):

PreventionGenetics, part of Exact Sciences
Classification: Uncertain significance for RAI1-related condition. Last evaluated: 2026-03-10. Review status: criteria provided, single submitter. Criteria: ACMG Guidelines, 2015. Collection method: clinical testing. Allele origin: germline.
Comment: The RAI1 c.3143C>A variant is predicted to result in the amino acid substitution p.Ala1048Asp. To our knowledge, this variant has not been reported in the literature. This variant is reported in 0.030% of alleles in individuals of European (Finnish) descent in gnomAD. Although we suspect that this variant may be benign, at this time, the clinical significance of this variant is uncertain due to the absence of conclusive functional and genetic evidence.

Ambry Genetics
Classification: Likely benign for Inborn genetic diseases. Last evaluated: 2025-05-28. Review status: criteria provided, single submitter. Criteria: Ambry Variant Classification Scheme 2023. Collection method: clinical testing. Allele origin: germline.

Labcorp Genetics (formerly Invitae), Labcorp
Classification: Likely benign. Last evaluated: 2025-03-12. Review status: criteria provided, single submitter. Criteria: Invitae Variant Classification Sherloc (09022015). Collection method: clinical testing. Allele origin: germline.

Eurofins Ntd Llc (ga)
Classification: Uncertain significance. Last evaluated: 2016-05-10. Review status: criteria provided, single submitter. Criteria: EGL Classification Definitions 2015. Collection method: clinical testing. Allele origin: germline. Observed: 1 variant allele, 1 heterozygote.

Genetic Services Laboratory, University of Chicago
Classification: Uncertain significance. Last evaluated: 2014-09-29. Review status: criteria provided, single submitter. Criteria: ACMG Guidelines, 2015. Collection method: clinical testing. Allele origin: germline.